The following is an entry in ClinVar:

ClinVar aggregate classification (germline): Likely pathogenic. Review status: criteria provided, multiple submitters, no conflicts (2 of 4 stars). 3 submissions from 3 submitters: Likely pathogenic (3). Last evaluated 2026-09-01.

Conditions:
Hearing loss, autosomal recessive 111. Also called: DEAFNESS, AUTOSOMAL RECESSIVE 111. Identifiers: MedGen C4748374, MONDO:0029142, OMIM 618145.

gnomAD v4.1: 90 of 1,613,938 alleles (0.0056%); highest among the groups gnomAD compares: Middle Eastern, 0.05%; no homozygotes.

Submissions (3):

CeGaT Center for Human Genetics Tuebingen
Classification: Likely pathogenic. Last evaluated: 2026-09-01. Review status: criteria provided, single submitter. Criteria: CeGaT Center For Human Genetics Tuebingen Variant Classification Criteria Version 2. Collection method: clinical testing. Allele origin: germline. Affected: yes. Observed: 1 variant allele.
Comment: MPZL2: PM3:Strong, PM2

GeneDx
Classification: Likely pathogenic. Last evaluated: 2026-03-25. Review status: criteria provided, single submitter. Criteria: GeneDx Variant Classification Process June 2021. Collection method: clinical testing. Allele origin: germline.
Comment: In silico analysis supports that this missense variant has a deleterious effect on protein structure/function; This variant is associated with the following publications: (PMID: 38197511)

Genomic Diagnostic Laboratory, Division of Genomic Diagnostics, Children's Hospital of Philadelphia
Classification: Likely pathogenic for Hearing loss, autosomal recessive 111. Last evaluated: 2023-11-10. Review status: criteria provided, single submitter. Criteria: DGD Variant Analysis Guidelines. Collection method: clinical testing. Allele origin: germline. Affected: yes. Observed: 3 variant alleles.

NM_005797.4(MPZL2):c.280C>T (p.Arg94Trp)

Gene: MPZL2 (myelin protein zero like 2; minus strand). Cytogenetic location: 11q23.3.
Variant type: single nucleotide variant.
Coding change: c.280C>T on transcript NM_005797.4 (MANE Select); coding-DNA position 280, C replaced by T.
Protein change: p.Arg94Trp; replaces arginine 94 with tryptophan.
Molecular consequence: missense variant.
Genome position (GRCh38, 1-based): chr11:118,262,594, G>A on the plus strand (C>T on the coding strand, the complement: MPZL2 is on the minus strand). VCF-style: chr11-118262594-G-A. GRCh37 (hg19) VCF-style: chr11-118133309-G-A.
Other names: p.[Arg94Trp]; c.280C>T, p.Arg94Trp (NM_144765.3); c.280C>T (NM_005797.3); short protein forms R94W.
Identifiers: ClinVar variation 2628069 (VCV002628069.3), dbSNP rs145401372, ClinGen allele CA6301407.